The following is an entry in ClinVar:

NM_000372.5(TYR):c.1259A>G (p.His420Arg)

Gene: TYR (tyrosinase; plus strand). Cytogenetic location: 11q14.3.
Variant type: single nucleotide variant.
Coding change: c.1259A>G on transcript NM_000372.5 (MANE Select); coding-DNA position 1259, A replaced by G.
Protein change: p.His420Arg; replaces histidine 420 with arginine.
Molecular consequence: missense variant.
Genome position (GRCh38, 1-based): chr11:89,284,847, A>G. VCF-style: chr11-89284847-A-G. GRCh37 (hg19) VCF-style: chr11-89018015-A-G.
Other names: short protein forms H420R.
Identifiers: ClinVar variation 1193414 (VCV001193414.8), dbSNP rs2135324283, ClinGen allele CA382077971.

ClinVar aggregate classification (germline): Pathogenic/Likely pathogenic. Review status: criteria provided, multiple submitters, no conflicts (2 of 4 stars). 4 submissions from 4 submitters: Pathogenic (1); Likely pathogenic (3). Last evaluated 2026-01-28.

Conditions:
Oculocutaneous albinism type 1B (OCA1B). Also called: ALBINISM, OCULOCUTANEOUS, TYPE IB; ALBINISM, YELLOW MUTANT TYPE; YELLOW ALBINISM. Identifiers: Orphanet 352731, Orphanet 352737, Orphanet 79434, MedGen C1847024, MONDO:0011749, OMIM 606952.
SKIN/HAIR/EYE PIGMENTATION 3, LIGHT/DARK SKIN (SHEP3). Also called: SKIN/HAIR/EYE PIGMENTATION, VARIATION IN, 3; EYE COLOR 1; EYE COLOR, GREEN/BLUE; SKIN/HAIR/EYE PIGMENTATION 3, BLUE/GREEN EYE COLOR; SKIN/HAIR/EYE PIGMENTATION 3, FRECKLING. Identifiers: MedGen C2677190, OMIM 601800.
Oculocutaneous albinism type 1A (OCA1A). Also called: Albinism, oculocutaneous, type IA. Identifiers: Orphanet 352731, Orphanet 79431, MedGen C4551504, MONDO:0008745, OMIM 203100. Disease mechanism: loss of function.

Allele frequency attached by ClinVar (database versions not stated): gnomAD exomes below 0.00001.
gnomAD v4.1: 1 of 1,612,066 alleles (0.000062%); highest among the groups gnomAD compares: Non-Finnish European, 0.000085%; no homozygotes.

Submissions (4):

Human Genetics Bochum, Ruhr University Bochum
Classification: Pathogenic for Oculocutaneous albinism type 1A; Oculocutaneous albinism type 1B. Last evaluated: 2026-01-28. Review status: criteria provided, single submitter. Criteria: ACMG Guidelines, 2015. Collection method: clinical testing. Allele origin: germline. Affected: yes.
Comment: in homozygous state; ACMG criteria used to clasify this variant: PP3_VSTR, PM1, PM3, PS3_SUP, PS4_SUP, PM2_SUP, PP2

Labcorp Genetics (formerly Invitae), Labcorp
Classification: Likely pathogenic. Last evaluated: 2025-11-10. Review status: criteria provided, single submitter. Criteria: Invitae Variant Classification Sherloc (09022015). Collection method: clinical testing. Allele origin: germline.
Comment: This sequence change replaces histidine, which is basic and polar, with arginine, which is basic and polar, at codon 420 of the TYR protein (p.His420Arg). This variant is not present in population databases (gnomAD no frequency). This missense change has been observed in individual(s) with ocular albinism (internal data). In at least one individual the data is consistent with being in trans (on the opposite chromosome) from a pathogenic variant. ClinVar contains an entry for this variant (Variation ID: 1193414). Invitae Evidence Modeling of protein sequence and biophysical properties (such as structural, functional, and spatial information, amino acid conservation, physicochemical variation, residue mobility, and thermodynamic stability) indicates that this missense variant is expected to disrupt TYR protein function with a positive predictive value of 95%. In summary, the currently available evidence indicates that the variant is pathogenic, but additional data are needed to prove that conclusively. Therefore, this variant has been classified as Likely Pathogenic.

Fulgent Genetics
Classification: Likely pathogenic for Oculocutaneous albinism type 1A; SKIN/HAIR/EYE PIGMENTATION 3, LIGHT/DARK SKIN; Oculocutaneous albinism type 1B. Last evaluated: 2024-04-07. Review status: criteria provided, single submitter. Criteria: ACMG Guidelines, 2015. Collection method: clinical testing. Allele origin: germline.

GeneDx
Classification: Likely pathogenic. Last evaluated: 2020-02-17. Review status: criteria provided, single submitter. Criteria: GeneDx Variant Classification Process June 2021. Collection method: clinical testing. Allele origin: germline. Affected: yes.
Comment: Not observed in large population cohorts (Lek et al., 2016); In silico analysis supports that this missense variant has a deleterious effect on protein structure/function; Has not been previously published as pathogenic or benign to our knowledge in individuals with oculocutaneous albinism; However, the H420R variant has been reported in mice and has been used as a functional model of OCA1B (Onojafe et al., 2011); This variant is associated with the following publications: (PMID: 24984260, 21968110, 29702637)